The following is an entry in ClinVar:

NM_015512.5(DNAH1):c.5513_5517dup (p.Gly1840fs)

Gene: DNAH1 (dynein axonemal heavy chain 1; plus strand). Cytogenetic location: 3p21.1.
Variant type: Duplication.
Coding change: c.5513_5517dup on transcript NM_015512.5 (MANE Select); coding-DNA positions 5513 to 5517, 5 bases duplicated (TGGAG; older notation c.5513_5517dupTGGAG).
Protein change: p.Gly1840fs; shifts the reading frame from glycine 1840.
Molecular consequence: frameshift variant.
Genome position (GRCh38, 1-based): chr3:52,365,014-52,365,018, TGGAG duplicated; duplicating any 5 consecutive bases within chr3:52,365,013-52,365,018 gives the same sequence; the c. name uses the placement nearest the transcript's 3' end. VCF-style (leftmost placement, unchanged base first): chr3-52365012-T-TGTGGA. GRCh37 (hg19) VCF-style: chr3-52399028-T-TGTGGA.
Other names: short protein forms G1840fs.
Identifiers: ClinVar variation 3748236 (VCV003748236.2).

ClinVar aggregate classification (germline): Pathogenic (1 of 4 stars; one submission).

Conditions:
Spermatogenic failure 18. Identifiers: MedGen C4539783, MONDO:0054615, OMIM 617576.
Ciliary dyskinesia, primary, 37 (CILD37). Also called: CILIARY DYSKINESIA, PRIMARY, 37, WITH OR WITHOUT SITUS INVERSUS. Identifiers: MedGen C4539798, MONDO:0033204, OMIM 617577.

Submission:

Labcorp Genetics (formerly Invitae), Labcorp
Classification: Pathogenic for Ciliary dyskinesia, primary, 37; Spermatogenic failure 18. Last evaluated: 2024-12-02. Review status: criteria provided, single submitter. Criteria: Invitae Variant Classification Sherloc (09022015). Collection method: clinical testing. Allele origin: germline.
Comment: This sequence change creates a premature translational stop signal (p.Gly1840Trpfs*5) in the DNAH1 gene. It is expected to result in an absent or disrupted protein product. Loss-of-function variants in DNAH1 are known to be pathogenic (PMID: 27573432, 27798045). This variant is present in population databases (no rsID available, gnomAD 0.003%). This variant has not been reported in the literature in individuals affected with DNAH1-related conditions. For these reasons, this variant has been classified as Pathogenic.

Literature cited by the submitters: PubMed 27573432; PubMed 27798045.